The following is an entry in ClinVar:

ClinVar aggregate classification (germline): Benign. Review status: criteria provided, multiple submitters, no conflicts (2 of 4 stars). 8 submissions from 7 submitters: Benign (6). 2 of the submissions do not count toward it. Last evaluated 2026-02-03.

Conditions:
Brain small vessel disease 1 with or without ocular anomalies (BSVD1). Also called: BRAIN SMALL VESSEL DISEASE WITH HEMORRHAGE; GOULD SYNDROME 1; PORENCEPHALY, TYPE 1, AUTOSOMAL DOMINANT; Brain small vessel disease with or without ocular anomalies. Identifiers: Orphanet 2940, Orphanet 36383, Orphanet 99810, MedGen C4755307, MONDO:0008289, OMIM 175780.
Autosomal dominant familial hematuria-retinal arteriolar tortuosity-contractures syndrome. Also called: Angiopathy, hereditary, with nephropathy, aneurysms, and muscle cramps; Hereditary Angiopathy with Nephropathy, Aneurysms, and Muscle Cramps (HANAC) Syndrome. Identifiers: Orphanet 73229, MedGen C2673195, MONDO:0012726, OMIM 611773.

Allele frequency attached by ClinVar (database versions not stated): 1000 Genomes Project 0.01637; 1000 Genomes Project 30x 0.01655.
gnomAD v4.1: 5,608 of 1,613,726 alleles (0.35%); highest among the groups gnomAD compares: African/African-American, 6.8%; 163 homozygotes.

Submissions (10):

Labcorp Genetics (formerly Invitae), Labcorp
Classification: Benign. Last evaluated: 2026-02-03. Review status: criteria provided, single submitter. Criteria: Invitae Variant Classification Sherloc (09022015). Collection method: clinical testing. Allele origin: germline.

Mayo Clinic Laboratories, Mayo Clinic
Classification: Benign. Last evaluated: 2023-12-13. Review status: criteria provided, single submitter. Criteria: ACMG Guidelines, 2015. Collection method: clinical testing. Allele origin: germline. Observed: 25 variant alleles.

Athena Diagnostics
Classification: Benign. Last evaluated: 2020-12-23. Review status: criteria provided, single submitter. Criteria: Athena Diagnostics criteria. Collection method: clinical testing. Allele origin: unknown.

GeneDx
Classification: Benign. Last evaluated: 2018-07-09. Review status: criteria provided, single submitter. Criteria: GeneDx Variant Classification Process June 2021. Collection method: clinical testing. Allele origin: germline. Affected: yes.

Illumina Laboratory Services, Illumina
Classification: Benign for Brain small vessel disease 1 with or without ocular anomalies. Last evaluated: 2017-04-27. Review status: criteria provided, single submitter. Criteria: ICSL Variant Classification Criteria 13 December 2019. Collection method: clinical testing. Allele origin: germline.
Comment: This variant was observed as part of a predisposition screen in an ostensibly healthy population. A literature search was performed for the gene, cDNA change, and amino acid change (where applicable). No publications were found based on this search. Allele frequency data from public databases was too high to be consistent with this variant causing disease. Therefore, this variant is classified as benign.

Illumina Laboratory Services, Illumina
Classification: Benign for Autosomal dominant familial hematuria-retinal arteriolar tortuosity-contractures syndrome. Last evaluated: 2017-04-27. Review status: criteria provided, single submitter. Criteria: ICSL Variant Classification Criteria 13 December 2019. Collection method: clinical testing. Allele origin: germline.
Comment: the same text as in the submission from Illumina Laboratory Services, Illumina above.

Dr. Peter K. Rogan Lab, Western University
No classification provided (evidence only). Condition: Sarcoma. Review status: no classification provided. Collection method: in vitro. Allele origin: not applicable. Functional consequence: retained intron. Not counted in ClinVar's aggregate classification.

Dr. Peter K. Rogan Lab, Western University
No classification provided (evidence only). Condition: Sarcoma. Review status: no classification provided. Collection method: in vitro. Allele origin: not applicable. Functional consequence: retained intron. Not counted in ClinVar's aggregate classification.

Joint Genome Diagnostic Labs from Nijmegen and Maastricht, Radboudumc and MUMC+
Classification: Benign. Review status: no assertion criteria provided. Collection method: clinical testing. Allele origin: germline. Affected: yes. Study: VKGL Data-share Consensus. Not counted in ClinVar's aggregate classification.

Laboratory of Diagnostic Genome Analysis, Leiden University Medical Center (LUMC)
Classification: Likely benign. Review status: no assertion criteria provided. Collection method: clinical testing. Allele origin: germline. Affected: yes. Study: VKGL Data-share Consensus. Not counted in ClinVar's aggregate classification.

NM_001845.6(COL4A1):c.808-7C>A

Gene: COL4A1 (collagen type IV alpha 1 chain; minus strand). Cytogenetic location: 13q34.
Variant type: single nucleotide variant.
Coding change: c.808-7C>A on transcript NM_001845.6 (MANE Select); 7 bases into the intron before coding-DNA position 808, C replaced by A.
Molecular consequence: intron variant.
Genome position (GRCh38, 1-based): chr13:110,206,722, G>T on the plus strand (C>A on the coding strand, the complement: COL4A1 is on the minus strand). VCF-style: chr13-110206722-G-T. GRCh37 (hg19) VCF-style: chr13-110859069-G-T.
Other names: p.?; c.808-7C>A (NM_001303110.2).
Identifiers: ClinVar variation 311070 (VCV000311070.25), dbSNP rs9588116, ClinGen allele CA7048304.
Genomic context (GRCh38, chr13:110,206,722, plus strand): 5'-TACTCTGGGTCCTGGTTTTCCGGGTTCACCTTTCTCTCCGACCCCTGGCATCCCCTTAAA[G>T]GAATAAAAAGACAAAGAGATTTATTCGTCTATTTAAGCAAAATTTAAATTAGATAGATAT-3'